The following is an entry in ClinVar:

NM_001378964.1(CDON):c.1479A>C (p.Glu493Asp)

Gene: CDON (cell adhesion associated, oncogene regulated; minus strand). Cytogenetic location: 11q24.2.
Variant type: single nucleotide variant.
Coding change: c.1479A>C on transcript NM_001378964.1 (MANE Select); coding-DNA position 1479, A replaced by C.
Protein change: p.Glu493Asp; replaces glutamic acid 493 with aspartic acid.
Molecular consequence: missense variant.
Genome position (GRCh38, 1-based): chr11:126,010,414, T>G on the plus strand (A>C on the coding strand, the complement: CDON is on the minus strand). VCF-style: chr11-126010414-T-G. GRCh37 (hg19) VCF-style: chr11-125880309-T-G.
Other names: c.1479A>C, p.Glu493Asp (NM_001243597.3, NM_001441161.1, NM_001441162.1 and 5 more transcripts); short protein forms E493D.
Identifiers: ClinVar variation 4737104 (VCV004737104.1).

ClinVar aggregate classification (germline): Uncertain significance (1 of 4 stars; one submission).

Conditions:
Holoprosencephaly 11 (HPE11). Identifiers: Orphanet 2162, MedGen C3280215, MONDO:0013642, OMIM 614226.

gnomAD v4.1: 2 of 1,614,152 alleles (0.00012%); highest among the groups gnomAD compares: Admixed American, 0.0033%; no homozygotes.

Submission:

Labcorp Genetics (formerly Invitae), Labcorp
Classification: Uncertain significance for Holoprosencephaly 11. Last evaluated: 2026-01-27. Review status: criteria provided, single submitter. Criteria: Invitae Variant Classification Sherloc (09022015). Collection method: clinical testing. Allele origin: germline.
Comment: This sequence change replaces glutamic acid, which is acidic and polar, with aspartic acid, which is acidic and polar, at codon 493 of the CDON protein (p.Glu493Asp). This variant is present in population databases (rs766151087, gnomAD 0.003%). This variant has not been reported in the literature in individuals affected with CDON-related conditions. Invitae Evidence Modeling of protein sequence and biophysical properties (such as structural, functional, and spatial information, amino acid conservation, physicochemical variation, residue mobility, and thermodynamic stability) indicates that this missense variant is not expected to disrupt CDON protein function with a negative predictive value of 80%. In summary, the available evidence is currently insufficient to determine the role of this variant in disease. Therefore, it has been classified as a Variant of Uncertain Significance.